The following is an entry in ClinVar:

NM_001031710.3(KLHL7):c.954C>T (p.Asp318=)

Gene: KLHL7 (kelch like family member 7; plus strand). Cytogenetic location: 7p15.3.
Variant type: single nucleotide variant.
Coding change: c.954C>T on transcript NM_001031710.3 (MANE Select); coding-DNA position 954, C replaced by T.
Protein change: p.Asp318=; no amino-acid change (aspartic acid 318 retained).
Molecular consequence: synonymous variant. On other transcripts: non-coding transcript variant (1).
Genome position (GRCh38, 1-based): chr7:23,165,715, C>T. VCF-style: chr7-23165715-C-T. GRCh37 (hg19) VCF-style: chr7-23205334-C-T.
Other names: c.810C>T, p.Asp270= (NM_018846.5).
Identifiers: ClinVar variation 734318 (VCV000734318.12), dbSNP rs142577273, ClinGen allele CA4186534.
Genomic context (GRCh38, chr7:23,165,715, plus strand): 5'-ATTTTTTTCCTTACTGAAAGCTTCCCATCCTTTTCTGCTACAGGATTATAGCTGGACAGA[C>T]ATCCGCTGCCCCTTTGAAAAACGAAGAGATGCAGCATGCGTGTTTTGGGACAATGTAGTA-3'
Protein context (NP_001026880.2, residues 308-328): YFNPKDYSWT[Asp318=]IRCPFEKRRD

ClinVar aggregate classification (germline): Likely benign. Review status: criteria provided, multiple submitters, no conflicts (2 of 4 stars). 3 submissions from 3 submitters: Likely benign (3). Last evaluated 2026-03-11.

Conditions:
KLHL7-related disorder. Also called: KLHL7-related disorders; KLHL7-related condition.

Allele frequency attached by ClinVar (database versions not stated): gnomAD exomes 0.00002 and 0.00008; ExAC 0.00009; gnomAD 0.00017 and 0.00019; TOPMed 0.00025; ESP Exome Variant Server 0.00031.
gnomAD v4.1: 60 of 1,613,992 alleles (0.0037%); highest among the groups gnomAD compares: African/African-American, 0.079%; no homozygotes.

Submissions (3):

PreventionGenetics, part of Exact Sciences
Classification: Likely benign for KLHL7-related condition. Last evaluated: 2026-03-11. Review status: criteria provided, single submitter. Criteria: ACMG Guidelines, 2015. Collection method: clinical testing. Allele origin: germline.
Comment: This variant is classified as likely benign based on ACMG/AMP sequence variant interpretation guidelines (Richards et al. 2015 PMID: 25741868, with internal and published modifications).

Labcorp Genetics (formerly Invitae), Labcorp
Classification: Likely benign. Last evaluated: 2025-09-14. Review status: criteria provided, single submitter. Criteria: Invitae Variant Classification Sherloc (09022015). Collection method: clinical testing. Allele origin: germline.

Blueprint Genetics
Classification: Likely benign. Last evaluated: 2024-02-12. Review status: criteria provided, single submitter. Criteria: ACMG Guidelines, 2015. Collection method: clinical testing. Allele origin: germline.